The following is an entry in ClinVar:

NM_198253.3(TERT):c.3300G>C (p.Gln1100His)

Gene: TERT (telomerase reverse transcriptase; minus strand). Cytogenetic location: 5p15.33.
Variant type: single nucleotide variant.
Coding change: c.3300G>C on transcript NM_198253.3 (MANE Select); coding-DNA position 3300, G replaced by C.
Protein change: p.Gln1100His; replaces glutamine 1100 with histidine.
Molecular consequence: missense variant. On other transcripts: non-coding transcript variant (2).
Genome position (GRCh38, 1-based): chr5:1,253,827, C>G on the plus strand (G>C on the coding strand, the complement: TERT is on the minus strand). VCF-style: chr5-1253827-C-G. GRCh37 (hg19) VCF-style: chr5-1253942-C-G.
Other names: c.3111G>C, p.Gln1037His (NM_001193376.3); c.3300G>C, p.Gln1100His (NM_003219.1); short protein forms Q1037H, Q1100H.
Identifiers: ClinVar variation 2428889 (VCV002428889.3), dbSNP rs2478067464, ClinGen allele CA359066922.
Genomic context (GRCh38, chr5:1,253,827, plus strand): 5'-GTTGGCTGCGGCCTCCAGGGCAGTCAGCGTCGTCCCCGGGAGCTTCCGACTCAGCTGCGT[C>G]TGGGCTGCGGGGCCAAAATCAGACTCCGTTCCAGAAGAGGCCAGAGGTGGCATCCTCCAA-3'
Protein context (NP_937983.2, residues 1090-1110): VPLLGSLRTA[Gln1100His]TQLSRKLPGT

ClinVar aggregate classification (germline): Uncertain significance (1 of 4 stars; one submission).

Submission:

GeneDx
Classification: Uncertain significance. Last evaluated: 2022-08-05. Review status: criteria provided, single submitter. Criteria: GeneDx Variant Classification Process June 2021. Collection method: clinical testing. Allele origin: germline. Affected: yes.
Comment: Not observed at significant frequency in large population cohorts (gnomAD); In silico analysis supports that this missense variant does not alter protein structure/function; Has not been previously published as pathogenic or benign to our knowledge; In-silico analysis is inconclusive as to whether the variant alters gene splicing. In the absence of RNA/functional studies, the actual effect of this sequence change is unknown.